The following is an entry in ClinVar:

ClinVar aggregate classification (germline): Uncertain significance (1 of 4 stars; one submission).

Conditions:
Hereditary cancer-predisposing syndrome. Also called: Tumor predisposition; Hereditary Cancer Syndrome; Hereditary neoplastic syndrome; Neoplastic Syndromes, Hereditary. Identifiers: Orphanet 140162, MedGen C0027672, MeSH D009386, MONDO:0015356.

Submission:

Ambry Genetics
Classification: Uncertain significance for Hereditary cancer-predisposing syndrome. Last evaluated: 2023-09-04. Review status: criteria provided, single submitter. Criteria: Ambry Variant Classification Scheme 2023. Collection method: clinical testing. Allele origin: germline.
Comment: The p.N730K variant (also known as c.2190C>A), located in coding exon 13 of the PMS2 gene, results from a C to A substitution at nucleotide position 2190. The asparagine at codon 730 is replaced by lysine, an amino acid with similar properties. This amino acid position is conserved. In addition, this alteration is predicted to be tolerated by in silico analysis. Since supporting evidence is limited at this time, the clinical significance of this alteration remains unclear.

NM_000535.7(PMS2):c.2190C>A (p.Asn730Lys)

Gene: PMS2 (PMS1 homolog 2, mismatch repair system component; minus strand). Cytogenetic location: 7p22.1.
Variant type: single nucleotide variant.
Coding change: c.2190C>A on transcript NM_000535.7 (MANE Select); coding-DNA position 2190, C replaced by A.
Protein change: p.Asn730Lys; replaces asparagine 730 with lysine.
Molecular consequence: missense variant. On other transcripts: non-coding transcript variant (1), intron variant (2).
Genome position (GRCh38, 1-based): chr7:5,978,681, G>T on the plus strand (C>A on the coding strand, the complement: PMS2 is on the minus strand). VCF-style: chr7-5978681-G-T. GRCh37 (hg19) VCF-style: chr7-6018312-G-T.
Other names: c.1785C>A, p.Asn595Lys (NM_001018040.1, NM_001322003.2, NM_001322004.2 and 15 more transcripts); c.2034C>A, p.Asn678Lys (NM_001322006.2, NM_001406870.1); c.1872C>A, p.Asn624Lys (NM_001322007.2, NM_001322008.2, NM_001406876.1 and 1 more transcripts); c.1629C>A, p.Asn543Lys (NM_001322010.2, NM_001406906.1, NM_001406907.1); c.1257C>A, p.Asn419Lys (NM_001322011.2, NM_001322012.2); c.1617C>A, p.Asn539Lys (NM_001322013.2, NM_001406908.1, NM_001406909.1); c.2190C>A, p.Asn730Lys (NM_001322014.2); c.1881C>A, p.Asn627Lys (NM_001322015.2, NM_001406875.1, NM_001406877.1 and 5 more transcripts); and 16 more; short protein forms N329K, N608K, N622K, N627K, N730K, N738K, N419K, N572K.
Identifiers: ClinVar variation 2597161 (VCV002597161.2), dbSNP rs756337875, ClinGen allele CA366736913.
Genomic context (GRCh38, chr7:5,978,681, plus strand): 5'-GCCATTCTTTCTAAATATTTCCAGATTTTCTATCAGAACAGCTTCATTAACAGCAGTTAA[G>T]TTGAGAGTCTGAGGTCTGAAAAACACAAAAATGATTCAAACCATATCCTGAAGTCAAACA-3'
Protein context (NP_000526.2, residues 720-740): GQRLIAPQTL[Asn730Lys]LTAVNEAVLI